The following is an entry in ClinVar:

NM_020937.4(FANCM):c.4223-4A>G

Gene: FANCM (FA complementation group M; plus strand). Cytogenetic location: 14q21.2.
Variant type: single nucleotide variant.
Coding change: c.4223-4A>G on transcript NM_020937.4 (MANE Select); 4 bases into the intron before coding-DNA position 4223, A replaced by G.
Molecular consequence: intron variant.
Genome position (GRCh38, 1-based): chr14:45,181,426, A>G. VCF-style: chr14-45181426-A-G. GRCh37 (hg19) VCF-style: chr14-45650629-A-G.
Other names: c.4145-4A>G (NM_001308133.2); c.4223-4A>G (NM_020937.3).
Identifiers: ClinVar variation 1104556 (VCV001104556.15), dbSNP rs191128410, ClinGen allele CA7169662.
Genomic context (GRCh38, chr14:45,181,426, plus strand): 5'-GATTGTTATGATTGGGTAAACCTAAATCTATTAACCATTCATTATTTTAAAAAATAAATT[A>G]TAGATGGACAATTATTAACAAGTAACGAAAGTGAAGATGACGAGATTTTCCGAAGAAAAG-3'

ClinVar aggregate classification (germline): Conflicting classifications of pathogenicity. Review status: criteria provided, conflicting classifications (1 of 4 stars). 4 submissions from 4 submitters: Uncertain significance (2); Likely benign (2). Last evaluated 2025-11-23.

Conditions:
Fanconi anemia (FA). Also called: Fanconi's anemia. Identifiers: Orphanet 84, MedGen C0015625, MeSH D005199, MONDO:0019391.

Allele frequency attached by ClinVar (database versions not stated): TOPMed 0.00003; gnomAD exomes 0.00004; ExAC 0.00006; gnomAD 0.00008; 1000 Genomes Project 30x 0.00031; 1000 Genomes Project 0.00040.
gnomAD v4.1: 73 of 1,508,802 alleles (0.0048%); highest among the groups gnomAD compares: Middle Eastern, 0.019%; no homozygotes.

Submissions (4):

Labcorp Genetics (formerly Invitae), Labcorp
Classification: Likely benign for Fanconi anemia. Last evaluated: 2025-11-23. Review status: criteria provided, single submitter. Criteria: Invitae Variant Classification Sherloc (09022015). Collection method: clinical testing. Allele origin: germline.

Quest Diagnostics Nichols Institute San Juan Capistrano
Classification: Uncertain significance. Last evaluated: 2024-12-24. Review status: criteria provided, single submitter. Criteria: Quest Diagnostics criteria. Collection method: clinical testing. Allele origin: unknown.
Comment: The FANCM c.4223-4A>G variant has not been reported in individuals with FANCM-related disorders in the published literature. The frequency of this variant in the general population (Genome Aggregation Database) is uninformative in the assessment of its pathogenicity. Analysis of this variant using software algorithms for the prediction of the effect of nucleotide changes on splicing yielded predictions that this variant does not affect FANCM mRNA splicing (Alamut Visual). Based on the available information, we are unable to determine the clinical significance of this variant.

Blueprint Genetics
Classification: Likely benign. Last evaluated: 2024-08-27. Review status: criteria provided, single submitter. Criteria: ACMG Guidelines, 2015. Collection method: clinical testing. Allele origin: germline.

GeneDx
Classification: Uncertain significance. Last evaluated: 2021-05-17. Review status: criteria provided, single submitter. Criteria: GeneDx Variant Classification Process June 2021. Collection method: clinical testing. Allele origin: germline. Affected: yes.
Comment: Has not been previously published as pathogenic or benign to our knowledge; In-silico analysis, which includes splice predictors and evolutionary conservation, is inconclusive as to whether the variant alters gene splicing. In the absence of RNA/functional studies, the actual effect of this sequence change is unknown.

Literature cited by the submitters: PubMed 35877578 (cited by Quest Diagnostics Nichols Institute San Juan Capistrano).